The following is an entry in ClinVar:

ClinVar aggregate classification (germline): Likely benign. Review status: criteria provided, single submitter (1 of 4 stars). 2 submissions from 2 submitters: Likely benign (1). 1 of the submissions does not count toward it. Last evaluated 2025-10-09.

Conditions:
PCNT-related disorder. Also called: PCNT-related condition.

gnomAD v4.1: 27 of 1,614,078 alleles (0.0017%); highest among the groups gnomAD compares: African/African-American, 0.031%; no homozygotes.

Submissions (2):

Labcorp Genetics (formerly Invitae), Labcorp
Classification: Likely benign. Last evaluated: 2025-10-09. Review status: criteria provided, single submitter. Criteria: Invitae Variant Classification Sherloc (09022015). Collection method: clinical testing. Allele origin: germline.

PreventionGenetics, part of Exact Sciences
Classification: Likely benign for PCNT-related condition. Last evaluated: 2021-12-29. Review status: no assertion criteria provided. Collection method: clinical testing. Allele origin: germline. Not counted in ClinVar's aggregate classification.
Comment: This variant is classified as likely benign based on ACMG/AMP sequence variant interpretation guidelines (Richards et al. 2015 PMID: 25741868, with internal and published modifications).

NM_006031.6(PCNT):c.6258C>T (p.Phe2086=)

Gene: PCNT (pericentrin; plus strand). Cytogenetic location: 21q22.3.
Variant type: single nucleotide variant.
Coding change: c.6258C>T on transcript NM_006031.6 (MANE Select); coding-DNA position 6258, C replaced by T.
Protein change: p.Phe2086=; no amino-acid change (phenylalanine 2086 retained).
Molecular consequence: synonymous variant.
Genome position (GRCh38, 1-based): chr21:46,416,176, C>T. VCF-style: chr21-46416176-C-T. GRCh37 (hg19) VCF-style: chr21-47836090-C-T.
Other names: c.5904C>T, p.Phe1968= (NM_001315529.2); c.6258C>T (NM_006031.5).
Identifiers: ClinVar variation 2897218 (VCV002897218.5), dbSNP rs148128278, ClinGen allele CA10080292.